The following is an entry in ClinVar:

NM_032119.4(ADGRV1):c.14210T>C (p.Val4737Ala)

Gene: ADGRV1 (adhesion G protein-coupled receptor V1; plus strand). Cytogenetic location: 5q14.3.
Variant type: single nucleotide variant.
Coding change: c.14210T>C on transcript NM_032119.4 (MANE Select); coding-DNA position 14210, T replaced by C.
Protein change: p.Val4737Ala; replaces valine 4737 with alanine.
Molecular consequence: missense variant. On other transcripts: non-coding transcript variant (1).
Genome position (GRCh38, 1-based): chr5:90,791,039, T>C. VCF-style: chr5-90791039-T-C. GRCh37 (hg19) VCF-style: chr5-90086856-T-C.
Other names: short protein forms V4737A.
Identifiers: ClinVar variation 848201 (VCV000848201.11), dbSNP rs1760014202, ClinGen allele CA360400628.
Genomic context (GRCh38, chr5:90,791,039, plus strand): 5'-ATTTGCTACCAGATGAGGTACCTGAGATAGAGGAAGATTATGTGATCCAGCTTGTTTCTG[T>C]AGAGGGAGGAGCCGAACTGGATCTGGAGAAGAGTATCACATGGTTCTCTGTTTATGCAAA-3'
Protein context (NP_115495.3, residues 4727-4747): EEDYVIQLVS[Val4737Ala]EGGAELDLEK

ClinVar aggregate classification (germline): Uncertain significance. Review status: criteria provided, multiple submitters, no conflicts (2 of 4 stars). 3 submissions from 3 submitters: Uncertain significance (3). Last evaluated 2026-03-01.

Conditions:
ADGRV1-related disorder. Also called: ADGRV1-related condition; ADGRV1-related disorders.

Submissions (3):

PreventionGenetics, part of Exact Sciences
Classification: Uncertain significance for ADGRV1-related condition. Last evaluated: 2026-03-01. Review status: criteria provided, single submitter. Criteria: ACMG Guidelines, 2015. Collection method: clinical testing. Allele origin: germline.
Comment: The ADGRV1 c.14210T>C variant is predicted to result in the amino acid substitution p.Val4737Ala. To our knowledge, this variant has not been reported in the literature or in a large population database (gnomAD), indicating this variant is rare. At this time, the clinical significance of this variant is uncertain due to the absence of conclusive functional and genetic evidence.

Women's Health and Genetics/Laboratory Corporation of America, LabCorp
Classification: Uncertain significance. Last evaluated: 2025-06-30. Review status: criteria provided, single submitter. Criteria: LabCorp Variant Classification Summary - May 2015. Collection method: clinical testing. Allele origin: germline.
Comment: Variant summary: ADGRV1 c.14210T>C (p.Val4737Ala) results in a non-conservative amino acid change in the encoded protein sequence. Algorithms developed to predict the effect of missense changes on protein structure and function are either unavailable or do not agree on the potential impact of this missense change. The variant was absent in 248918 control chromosomes. The available data on variant occurrences in the general population are insufficient to allow any conclusion about variant significance. To our knowledge, no occurrence of c.14210T>C in individuals affected with ADGRV1-Related Disorders and no experimental evidence demonstrating its impact on protein function have been reported. ClinVar contains an entry for this variant (Variation ID: 848201). Based on the evidence outlined above, the variant was classified as uncertain significance.

Labcorp Genetics (formerly Invitae), Labcorp
Classification: Uncertain significance. Last evaluated: 2022-08-31. Review status: criteria provided, single submitter. Criteria: Invitae Variant Classification Sherloc (09022015). Collection method: clinical testing. Allele origin: germline.
Comment: This variant has not been reported in the literature in individuals affected with ADGRV1-related conditions. ClinVar contains an entry for this variant (Variation ID: 848201). Algorithms developed to predict the effect of missense changes on protein structure and function output the following: SIFT: "Deleterious"; PolyPhen-2: "Benign"; Align-GVGD: "Class C0". The alanine amino acid residue is found in multiple mammalian species, which suggests that this missense change does not adversely affect protein function. In summary, the available evidence is currently insufficient to determine the role of this variant in disease. Therefore, it has been classified as a Variant of Uncertain Significance. This sequence change replaces valine, which is neutral and non-polar, with alanine, which is neutral and non-polar, at codon 4737 of the ADGRV1 protein (p.Val4737Ala). This variant is not present in population databases (gnomAD no frequency).